The following is an entry in ClinVar:

ClinVar aggregate classification (germline): Pathogenic. Review status: criteria provided, multiple submitters, no conflicts (2 of 4 stars). 2 submissions from 2 submitters: Pathogenic (2). Last evaluated 2024-11-03.

Conditions:
Ectodermal dysplasia and immunodeficiency 2. Identifiers: Orphanet 238468, Orphanet 98813, MedGen C2677481, MONDO:0012806, OMIM 612132.

Submissions (2):

Labcorp Genetics (formerly Invitae), Labcorp
Classification: Pathogenic for Ectodermal dysplasia and immunodeficiency 2. Last evaluated: 2024-11-03. Review status: criteria provided, single submitter. Criteria: Invitae Variant Classification Sherloc (09022015). Collection method: clinical testing. Allele origin: germline.
Comment: This sequence change creates a premature translational stop signal (p.Gln9*) in the NFKBIA gene. It is expected to result in an absent or disrupted protein product. However, the current clinical and genetic evidence is not sufficient to establish whether loss-of-function variants in NFKBIA cause disease. This variant is not present in population databases (gnomAD no frequency). This premature translational stop signal has been observed in individuals with clinical features of ectodermal dysplasia (PMID: 22078572, 31618753, 35753512). ClinVar contains an entry for this variant (Variation ID: 280143). Algorithms developed to predict the effect of variants on gene product structure and function are not available or were not evaluated for this variant. Experimental studies have shown that this premature translational stop signal affects NFKBIA function (PMID: 22078572). For these reasons, this variant has been classified as Pathogenic.

GeneDx
Classification: Pathogenic. Last evaluated: 2018-03-14. Review status: criteria provided, single submitter. Criteria: GeneDx Variant Classification (06012015). Collection method: clinical testing. Allele origin: germline. Affected: yes.
Comment: This variant is predicted to cause loss of normal protein function either through protein truncation or nonsense-mediated mRNA decay. The Q9X variant was not observed in approximately 6400 individuals of European and African American ancestry in the NHLBI Exome Sequencing Project, indicating it is not a common benign variant in these populations. Functional studies indicate that cells expressing Q9X have a significant dose-dependent inhibitory effect on NF-kB activity compared to wild type (Ohnishi et al., 2012). We interpret Q9X as a pathogenic variant.

Literature cited by the submitters: PubMed 22078572 (cited by Labcorp Genetics (formerly Invitae), Labcorp); PubMed 31618753 (cited by Labcorp Genetics (formerly Invitae), Labcorp); PubMed 35753512 (cited by Labcorp Genetics (formerly Invitae), Labcorp).

NM_020529.3(NFKBIA):c.25C>T (p.Gln9Ter)

Genes: NFKBIA (NFKB inhibitor alpha; minus strand), LOC130055497 (ATAC-STARR-seq lymphoblastoid silent region 5676; plus strand). Cytogenetic location: 14q13.2.
Variant type: single nucleotide variant.
Coding change: c.25C>T on transcript NM_020529.3 (MANE Select); coding-DNA position 25, C replaced by T.
Protein change: p.Gln9Ter; replaces glutamine 9 with a stop codon.
Molecular consequence: nonsense.
Genome position (GRCh38, 1-based): chr14:35,404,620, G>A on the plus strand (C>T on the coding strand, the complement: NFKBIA is on the minus strand). VCF-style: chr14-35404620-G-A. GRCh37 (hg19) VCF-style: chr14-35873826-G-A.
Other names: short protein forms Q9*.
Identifiers: ClinVar variation 280143 (VCV000280143.4), dbSNP rs886041411, ClinGen allele CA10603205.